The following is an entry in ClinVar:

ClinVar aggregate classification (germline): Uncertain significance (1 of 4 stars; one submission).

Conditions:
Hereditary cancer-predisposing syndrome. Also called: Neoplastic Syndromes, Hereditary; Hereditary Cancer Syndrome; Tumor predisposition; Hereditary neoplastic syndrome. Identifiers: Orphanet 140162, MedGen C0027672, MeSH D009386, MONDO:0015356.

Submission:

Ambry Genetics
Classification: Uncertain significance for Hereditary cancer-predisposing syndrome. Last evaluated: 2025-03-10. Review status: criteria provided, single submitter. Criteria: Ambry Variant Classification Scheme 2023. Collection method: clinical testing. Allele origin: germline.
Comment: The p.V1274L variant (also known as c.3820G>T), located in coding exon 25 of the RAD50 gene, results from a G to T substitution at nucleotide position 3820. The valine at codon 1274 is replaced by leucine, an amino acid with highly similar properties. This amino acid position is conserved. In addition, the in silico prediction for this alteration is inconclusive. Based on the available evidence, the clinical significance of this variant remains unclear.

NM_005732.4(RAD50):c.3820G>T (p.Val1274Leu)

Genes: TH2LCRR (T helper type 2 locus control region associated RNA; minus strand), RAD50 (RAD50 double strand break repair protein; plus strand). Cytogenetic location: 5q31.1.
Variant type: single nucleotide variant.
Coding change: c.3820G>T on transcript NM_005732.4 (MANE Select); coding-DNA position 3820, G replaced by T.
Protein change: p.Val1274Leu; replaces valine 1274 with leucine.
Molecular consequence: missense variant. On other transcripts: non-coding transcript variant (1).
Genome position (GRCh38, 1-based): chr5:132,642,245, G>T. VCF-style: chr5-132642245-G-T. GRCh37 (hg19) VCF-style: chr5-131977937-G-T.
Other names: short protein forms V1274L.
Identifiers: ClinVar variation 3786326 (VCV003786326.1).